The following is an entry in ClinVar:

ClinVar aggregate classification (germline): Uncertain significance (1 of 4 stars; one submission).

gnomAD v4.1: 23 of 1,612,958 alleles (0.0014%); highest among the groups gnomAD compares: Non-Finnish European, 0.00034%; no homozygotes.

Submission:

Women's Health and Genetics/Laboratory Corporation of America, LabCorp
Classification: Uncertain significance. Last evaluated: 2025-09-24. Review status: criteria provided, single submitter. Criteria: LabCorp Variant Classification Summary - May 2015. Collection method: clinical testing. Allele origin: germline.
Comment: Variant summary: APPL1 c.88G>A (p.Ala30Thr) results in a non-conservative amino acid change in the encoded protein sequence. Algorithms developed to predict the effect of missense changes on protein structure and function are either unavailable or do not agree on the potential impact of this missense change. The variant allele was found at a frequency of 2.4e-05 in 251142 control chromosomes. The available data on variant occurrences in the general population are insufficient to allow any conclusion about variant significance. To our knowledge, no occurrence of c.88G>A in individuals affected with APPL1-related conditions and no experimental evidence demonstrating its impact on protein function have been reported. No submitters have cited clinical-significance assessments for this variant to ClinVar. Based on the evidence outlined above, the variant was classified as uncertain significance.

NM_012096.3(APPL1):c.88G>A (p.Ala30Thr)

Gene: APPL1 (adaptor protein, phosphotyrosine interacting with PH domain and leucine zipper 1; plus strand). Cytogenetic location: 3p14.3.
Variant type: single nucleotide variant.
Coding change: c.88G>A on transcript NM_012096.3 (MANE Select); coding-DNA position 88, G replaced by A.
Protein change: p.Ala30Thr; replaces alanine 30 with threonine.
Molecular consequence: missense variant.
Genome position (GRCh38, 1-based): chr3:57,235,599, G>A. VCF-style: chr3-57235599-G-A. GRCh37 (hg19) VCF-style: chr3-57269627-G-A.
Other names: short protein forms A30T.
Identifiers: ClinVar variation 4536003 (VCV004536003.1).